The following is an entry in ClinVar:

NM_000048.4(ASL):c.1027C>T (p.Leu343Phe)

Gene: ASL (argininosuccinate lyase; plus strand). Cytogenetic location: 7q11.21.
Variant type: single nucleotide variant.
Coding change: c.1027C>T on transcript NM_000048.4 (MANE Select); coding-DNA position 1027, C replaced by T.
Protein change: p.Leu343Phe; replaces leucine 343 with phenylalanine.
Molecular consequence: missense variant.
Genome position (GRCh38, 1-based): chr7:66,089,660, C>T. VCF-style: chr7-66089660-C-T. GRCh37 (hg19) VCF-style: chr7-65554647-C-T.
Other names: c.1027C>T, p.Leu343Phe (NM_001024943.2); c.967C>T, p.Leu323Phe (NM_001024944.2); c.949C>T, p.Leu317Phe (NM_001024946.2); short protein forms L317F, L323F, L343F.
Identifiers: ClinVar variation 4853065 (VCV004853065.1).
Genomic context (GRCh38, chr7:66,089,660, plus strand): 5'-TGTGCCTCCCAGGAGGACAAGGAAGCTGTGTTTGAAGTGTCAGACACTATGAGTGCCGTG[C>T]TCCAGGTGGCCACTGGCGTCATCTCTACGCTGCAGGCAAGACATCACCCCCCTGCTTCTC-3'
Protein context (NP_000039.2, residues 333-353): FEVSDTMSAV[Leu343Phe]QVATGVISTL

ClinVar aggregate classification (germline): Uncertain significance (1 of 4 stars; one submission).

gnomAD v4.1: 2 of 1,613,956 alleles (0.00012%); highest among the groups gnomAD compares: South Asian, 0.0011%; no homozygotes.

Submission:

Women's Health and Genetics/Laboratory Corporation of America, LabCorp
Classification: Uncertain significance. Last evaluated: 2026-05-14. Review status: criteria provided, single submitter. Criteria: LabCorp Variant Classification Summary - May 2015. Collection method: clinical testing. Allele origin: germline.
Comment: Variant summary: ASL c.1027C>T (p.Leu343Phe) results in a non-conservative amino acid change in the encoded protein sequence. Algorithms developed to predict the effect of missense changes on protein structure and function all suggest that this variant is likely to be disruptive. The variant was absent in 250764 control chromosomes. The available data on variant occurrences in the general population are insufficient to allow any conclusion about variant significance. c.1027C>T has been observed in an individual affected with ASL-related conditions (Balmer_2014). This report does not provide unequivocal conclusions about the association of the variant with disease. To our knowledge, no experimental evidence demonstrating an impact on protein function has been reported. The following publication has been ascertained in the context of this evaluation (PMID: 24166829). No submitters have cited clinical significance assessments for this variant in ClinVar. Based on the evidence outlined above, the variant was classified as uncertain significance.

Literature cited by the submitters: PubMed 24166829.